The following is an entry in ClinVar:

ClinVar aggregate classification (germline): Pathogenic (1 of 4 stars; one submission).

Conditions:
Bardet-Biedl syndrome (BBS). Identifiers: Orphanet 110, MedGen C0752166, MONDO:0015229.

Submission:

Labcorp Genetics (formerly Invitae), Labcorp
Classification: Pathogenic for Bardet-Biedl syndrome. Last evaluated: 2022-04-12. Review status: criteria provided, single submitter. Criteria: Invitae Variant Classification Sherloc (09022015). Collection method: clinical testing. Allele origin: germline.
Comment: This sequence change creates a premature translational stop signal (p.Ala335Asnfs*16) in the TTC8 gene. It is expected to result in an absent or disrupted protein product. Loss-of-function variants in TTC8 are known to be pathogenic (PMID: 16308660, 16877420, 19797195, 21052717, 30886724). This variant is not present in population databases (gnomAD no frequency). For these reasons, this variant has been classified as Pathogenic. This variant is also known as c.1029_1032dup; p.Ala345AsnfsTer16. This premature translational stop signal has been observed in individual(s) with clinical features of Bardet-Biedl syndrome (PMID: 33587123).

Literature cited by the submitters: PubMed 16308660; PubMed 16877420; PubMed 19797195; PubMed 21052717; PubMed 30886724; PubMed 33587123.

NM_144596.4(TTC8):c.1029_1032dup (p.Ala345fs)

Gene: TTC8 (tetratricopeptide repeat domain 8; plus strand). Cytogenetic location: 14q31.3.
Variant type: Duplication.
Coding change: c.1029_1032dup on transcript NM_144596.4 (MANE Select); coding-DNA positions 1029 to 1032, 4 bases duplicated (AATA; older notation c.1029_1032dupAATA).
Protein change: p.Ala345fs; shifts the reading frame from alanine 345.
Molecular consequence: frameshift variant. On other transcripts: non-coding transcript variant (1).
Genome position (GRCh38, 1-based): chr14:88,870,178-88,870,181, AATA duplicated; duplicating any 4 consecutive bases within chr14:88,870,177-88,870,181 gives the same sequence; the c. name uses the placement nearest the transcript's 3' end. VCF-style (leftmost placement, unchanged base first): chr14-88870176-G-GAAAT. GRCh37 (hg19) VCF-style: chr14-89336520-G-GAAAT.
Other names: c.1077_1080dup, p.Ala361fs (NM_001288781.1); c.435_438dup, p.Ala147fs (NM_001288782.1); c.312_315dup, p.Ala106fs (NM_001288783.1); c.999_1002dup, p.Ala335fs (NM_001366535.2, NM_198309.3); c.909_912dup, p.Ala305fs (NM_001366536.2, NM_198310.3); short protein forms A147fs, A106fs, A335fs, A345fs, A305fs, A361fs.
Identifiers: ClinVar variation 2098849 (VCV002098849.4), dbSNP rs2546231494, ClinGen allele CA2580088895.
Genomic context (GRCh38, chr14:88,870,176, plus strand): 5'-AATACTCATGTGGAAGCCATCGCATGCATTGGAAGCAACCACTTCTATTCTGATCAGCCA[G>GAAAT]AAATAGCTCTCCGGTTTTACAGGTGCACTTCACATCCAATTCTTAGAACCACTTTCCTGT-3'